The following is an entry in ClinVar:

ClinVar aggregate classification (germline): Uncertain significance (1 of 4 stars; one submission).

Submission:

Dasa
Classification: Uncertain significance. Last evaluated: 2024-07-16. Review status: criteria provided, single submitter. Criteria: DASA Assertion Criteria. Collection method: clinical testing. Allele origin: germline.
Comment: NM_001083619.3(GRIA2):c.431A>G (p.Gln144Arg) is a missense variant that results in the substitution of glutamine with arginine. This variant is absent from population databases. Computational prediction algorithms are consistent with a benign effect. The currently available literature and clinical evidence are not sufficient to establish a definitive association between this variant and the reported condition. Therefore, this variant is classified as a variant of uncertain significance.

NM_001083619.3(GRIA2):c.431A>G (p.Gln144Arg)

Gene: GRIA2 (glutamate ionotropic receptor AMPA type subunit 2; plus strand). Cytogenetic location: 4q32.1.
Variant type: single nucleotide variant.
Coding change: c.431A>G on transcript NM_001083619.3 (MANE Select); coding-DNA position 431, A replaced by G.
Protein change: p.Gln144Arg; replaces glutamine 144 with arginine.
Molecular consequence: missense variant.
Genome position (GRCh38, 1-based): chr4:157,303,753, A>G. VCF-style: chr4-157303753-A-G. GRCh37 (hg19) VCF-style: chr4-158224905-A-G.
Other names: c.431A>G, p.Gln144Arg (NM_000826.6); c.290A>G, p.Gln97Arg (NM_001083620.3, NM_001379000.3, NM_001379001.3); short protein forms Q144R, Q97R.
Identifiers: ClinVar variation 4880974 (VCV004880974.2).
Genomic context (GRCh38, chr4:157,303,753, plus strand): 5'-TTGTCATTCAGATGAGACCCGACCTCAAAGGAGCTCTCCTTAGCTTGATTGAATACTATC[A>G]ATGGGACAAGTTTGCATACCTCTATGACAGTGACAGAGGTAAGTGACAGTATCTCATCTC-3'
Protein context (NP_001077088.2, residues 134-154): GALLSLIEYY[Gln144Arg]WDKFAYLYDS